The following is an entry in ClinVar:

ClinVar aggregate classification (germline): Uncertain significance (1 of 4 stars; one submission).

Allele frequency attached by ClinVar (database versions not stated): gnomAD 0.00001; TOPMed 0.00001.
gnomAD v4.1: 1 of 1,613,680 alleles (0.000062%); highest among the groups gnomAD compares: Non-Finnish European, 0.000085%; no homozygotes.

Submission:

Labcorp Genetics (formerly Invitae), Labcorp
Classification: Uncertain significance. Last evaluated: 2023-04-30. Review status: criteria provided, single submitter. Criteria: Invitae Variant Classification Sherloc (09022015). Collection method: clinical testing. Allele origin: germline.
Comment: In summary, the available evidence is currently insufficient to determine the role of this variant in disease. Therefore, it has been classified as a Variant of Uncertain Significance. An algorithm developed to predict the effect of missense changes on protein structure and function (PolyPhen-2) suggests that this variant is likely to be disruptive. This variant has not been reported in the literature in individuals affected with ACVR1-related conditions. This variant is not present in population databases (gnomAD no frequency). This sequence change replaces leucine, which is neutral and non-polar, with phenylalanine, which is neutral and non-polar, at codon 170 of the ACVR1 protein (p.Leu170Phe).

NM_001111067.4(ACVR1):c.508C>T (p.Leu170Phe)

Gene: ACVR1 (activin A receptor type 1; minus strand). Cytogenetic location: 2q24.1.
Variant type: single nucleotide variant.
Coding change: c.508C>T on transcript NM_001111067.4 (MANE Select); coding-DNA position 508, C replaced by T.
Protein change: p.Leu170Phe; replaces leucine 170 with phenylalanine.
Molecular consequence: missense variant.
Genome position (GRCh38, 1-based): chr2:157,778,166, G>A on the plus strand (C>T on the coding strand, the complement: ACVR1 is on the minus strand). VCF-style: chr2-157778166-G-A. GRCh37 (hg19) VCF-style: chr2-158634678-G-A.
Other names: c.508C>T, p.Leu170Phe (NM_001105.5, NM_001347663.1, NM_001347664.1 and 3 more transcripts); short protein forms L170F.
Identifiers: ClinVar variation 2829557 (VCV002829557.3), dbSNP rs979341093, ClinGen allele CA59280862.